The following is an entry in ClinVar:

NM_001002294.3(FMO3):c.855C>T (p.Asn285=)

Gene: FMO3 (flavin containing dimethylaniline monoxygenase 3; plus strand). Cytogenetic location: 1q24.3.
Variant type: single nucleotide variant.
Coding change: c.855C>T on transcript NM_001002294.3 (MANE Select); coding-DNA position 855, C replaced by T.
Protein change: p.Asn285=; no amino-acid change (asparagine 285 retained).
Molecular consequence: synonymous variant.
Genome position (GRCh38, 1-based): chr1:171,114,034, C>T. VCF-style: chr1-171114034-C-T. GRCh37 (hg19) VCF-style: chr1-171083174-C-T.
Other names: c.795C>T, p.Asn265= (NM_001319173.2); c.666C>T, p.Asn222= (NM_001319174.2); c.855C>T, p.Asn285= (NM_006894.6).
Identifiers: ClinVar variation 260078 (VCV000260078.19), dbSNP rs909530, ClinGen allele CA1240680.
Genomic context (GRCh38, chr1:171,114,034, plus strand): 5'-CACTTCCAATAATTGTCTCTGTTTTCCATACAGAGTCCTGAGGAAAGAGCCTGTATTTAA[C>T]GATGAGCTCCCAGCAAGCATTCTGTGTGGCATTGTGTCCGTAAAGCCTAACGTGAAGGAA-3'
Protein context (NP_001002294.1, residues 275-295): NGVLRKEPVF[Asn285=]DELPASILCG

ClinVar aggregate classification (germline): Benign/Likely benign. Review status: criteria provided, multiple submitters, no conflicts (2 of 4 stars). 9 submissions from 9 submitters: Benign (6); Likely benign (1). 2 of the submissions do not count toward it. Last evaluated 2026-02-04.

Conditions:
Trimethylaminuria (TMAU). Also called: Fish malodor syndrome; Stale fish syndrome; TMAuria; FISH-ODOR SYNDROME; Primary Trimethylaminuria. Identifiers: MedGen C0342739, MONDO:0011182, OMIM 602079, HP:0003614. Disease mechanism: loss of function.

Allele frequency attached by ClinVar (database versions not stated): gnomAD exomes 0.26049 and 0.28622; ExAC 0.28913; ESP Exome Variant Server 0.30747; gnomAD 0.31397 and 0.31712; TOPMed 0.32185; 1000 Genomes Project 0.33367; 1000 Genomes Project 30x 0.33635.
gnomAD v4.1: 426,599 of 1,607,532 alleles (27%); highest among the groups gnomAD compares: African/African-American, 44%; 59,493 homozygotes.

Submissions (9):

Labcorp Genetics (formerly Invitae), Labcorp
Classification: Benign. Last evaluated: 2026-02-04. Review status: criteria provided, single submitter. Criteria: Invitae Variant Classification Sherloc (09022015). Collection method: clinical testing. Allele origin: germline.

Women's Health and Genetics/Laboratory Corporation of America, LabCorp
Classification: Benign. Last evaluated: 2025-09-29. Review status: criteria provided, single submitter. Criteria: LabCorp Variant Classification Summary - May 2015. Collection method: clinical testing. Allele origin: germline.

Blueprint Genetics
Classification: Likely benign. Last evaluated: 2024-11-26. Review status: criteria provided, single submitter. Criteria: ACMG Guidelines, 2015. Collection method: clinical testing. Allele origin: germline.

Genome-Nilou Lab
Classification: Benign for Trimethylaminuria. Last evaluated: 2021-08-10. Review status: criteria provided, single submitter. Criteria: ACMG Guidelines, 2015. Collection method: clinical testing. Allele origin: germline. Affected: no.

Illumina Laboratory Services, Illumina
Classification: Benign for Trimethylaminuria. Last evaluated: 2018-03-06. Review status: criteria provided, single submitter. Criteria: ICSL Variant Classification Criteria 13 December 2019. Collection method: clinical testing. Allele origin: germline.
Comment: This variant was observed in the ICSL laboratory as part of a predisposition screen in an ostensibly healthy population. It had not been previously curated by ICSL or reported in the Human Gene Mutation Database (HGMD: prior to June 1st, 2018), and was therefore a candidate for classification through an automated scoring system. Utilizing variant allele frequency, disease prevalence and penetrance estimates, and inheritance mode, an automated score was calculated to assess if this variant is too frequent to cause the disease. Based on the score and internal cut-off values, a variant classified as benign is not then subjected to further curation. The score for this variant resulted in a classification of benign for this disease.

Breakthrough Genomics
Classification: Benign. Review status: criteria provided, single submitter. Criteria: ACMG Guidelines, 2015. Collection method: not provided. Allele origin: germline. Inheritance: Autosomal recessive inheritance. Affected: yes.

PreventionGenetics, part of Exact Sciences
Classification: Benign. Review status: criteria provided, single submitter. Criteria: ACMG Guidelines, 2015. Collection method: clinical testing. Allele origin: germline.

Diagnostic Laboratory, Department of Genetics, University Medical Center Groningen
Classification: Benign. Review status: no assertion criteria provided. Collection method: clinical testing. Allele origin: germline. Affected: yes. Study: VKGL Data-share Consensus. Not counted in ClinVar's aggregate classification.

Joint Genome Diagnostic Labs from Nijmegen and Maastricht, Radboudumc and MUMC+
Classification: Benign. Review status: no assertion criteria provided. Collection method: clinical testing. Allele origin: germline. Affected: yes. Study: VKGL Data-share Consensus. Not counted in ClinVar's aggregate classification.